The following is an entry in ClinVar:

NM_001002295.2(GATA3):c.575del (p.Asp192fs)

Gene: GATA3 (GATA binding protein 3; plus strand). Cytogenetic location: 10p14.
Variant type: Deletion.
Coding change: c.575del on transcript NM_001002295.2 (MANE Select); coding-DNA position 575, one base deleted (A; older notation c.575delA).
Protein change: p.Asp192fs; shifts the reading frame from aspartic acid 192.
Molecular consequence: frameshift variant.
Genome position (GRCh38, 1-based): chr10:8,058,638, A deleted. VCF-style (leftmost placement, unchanged base first): chr10-8058637-GA-G. GRCh37 (hg19) VCF-style: chr10-8100600-GA-G.
Other names: c.575del, p.Asp192fs (NM_001441115.1, NM_001441116.1, NM_001441117.1 and 18 more transcripts); short protein forms D192fs.
Identifiers: ClinVar variation 4796543 (VCV004796543.1).
Genomic context (GRCh38, chr10:8,058,637, plus strand): 5'-TCGGCCGGCTCGGCCCGGCAGGACGAGAAAGAGTGCCTCAAGTACCAGGTGCCCCTGCCC[GA>G]CAGCATGAAGCTGGAGTCGTCCCACTCCCGTGGCAGCATGACCGCCCTGGGTGGAGCCTC-3'

ClinVar aggregate classification (germline): Pathogenic (1 of 4 stars; one submission).

Conditions:
Hypoparathyroidism, deafness, renal disease syndrome (HDRS). Also called: HYPOPARATHYROIDISM, SENSORINEURAL DEAFNESS, AND RENAL DYSPLASIA SYNDROME. Identifiers: Orphanet 2237, MedGen C1840333, MONDO:0007797, OMIM 146255.

Submission:

Juno Genomics, Hangzhou Juno Genomics, Inc
Classification: Pathogenic for Hypoparathyroidism, deafness, renal disease syndrome. Review status: criteria provided, single submitter. Criteria: ACMG Guidelines, 2015. Collection method: clinical testing. Allele origin: germline. Affected: yes.
Comment: Absent from controls (or at extremely low frequency if recessive) in Genome Aggregation Database, Exome Sequencing Project, 1000 Genomes Project, or Exome Aggregation Consortium.;Null variant in a gene where loss of function (LOF) is a known mechanism of disease.;Patient's phenotype or family history is highly specific for a disease with a single genetic etiology.